The following is an entry in ClinVar:

ClinVar aggregate classification (germline): Pathogenic/Likely pathogenic. Review status: criteria provided, multiple submitters, no conflicts (2 of 4 stars). 2 submissions from 2 submitters: Pathogenic (1); Likely pathogenic (1). Last evaluated 2025-09-12.

Conditions:
Medium-chain acyl-coenzyme A dehydrogenase deficiency (ACADMD). Also called: CARNITINE DEFICIENCY SECONDARY TO MEDIUM-CHAIN ACYL-CoA DEHYDROGENASE DEFICIENCY; MCADD; Medium chain acyl-CoA dehydrogenase deficiency; MCAD Deficiency; MCADH DEFICIENCY; ACADM DEFICIENCY. Identifiers: Orphanet 42, MedGen C0220710, MONDO:0008721, OMIM 201450.

Submissions (2):

Natera, Inc.
Classification: Likely pathogenic for Medium Chain Acyl-CoA Dehydrogenase Deficiency. Last evaluated: 2025-09-12. Review status: criteria provided, single submitter. Criteria: Natera Variant Classification Schema (03/2026). Collection method: clinical testing. Allele origin: germline.
Comment: The c.130C>T variant in ACADM is a nonsense variant predicted to introduce a stop codon at amino acid 44. This variant is expected to result in nonsense mediated decay, truncation, or a dysfunctional protein product. This variant is rare in the general population with a frequency below the threshold expected for the associated phenotype(s). Given the available evidence, this variant is classified as Likely Pathogenic.

Labcorp Genetics (formerly Invitae), Labcorp
Classification: Pathogenic for Medium-chain acyl-coenzyme A dehydrogenase deficiency. Last evaluated: 2022-12-22. Review status: criteria provided, single submitter. Criteria: Invitae Variant Classification Sherloc (09022015). Collection method: clinical testing. Allele origin: germline.
Comment: For these reasons, this variant has been classified as Pathogenic. This variant has not been reported in the literature in individuals affected with ACADM-related conditions. This variant is not present in population databases (gnomAD no frequency). This sequence change creates a premature translational stop signal (p.Gln44*) in the ACADM gene. It is expected to result in an absent or disrupted protein product. Loss-of-function variants in ACADM are known to be pathogenic (PMID: 16121256, 20434380).

Literature cited by the submitters: PubMed 16121256 (cited by Labcorp Genetics (formerly Invitae), Labcorp); PubMed 20434380 (cited by Labcorp Genetics (formerly Invitae), Labcorp).

NM_000016.6(ACADM):c.130C>T (p.Gln44Ter)

Gene: ACADM (acyl-CoA dehydrogenase medium chain; plus strand). Cytogenetic location: 1p31.1.
Variant type: single nucleotide variant.
Coding change: c.130C>T on transcript NM_000016.6 (MANE Select); coding-DNA position 130, C replaced by T.
Protein change: p.Gln44Ter; replaces glutamine 44 with a stop codon.
Molecular consequence: nonsense. On other transcripts: 5 prime UTR variant (1).
Genome position (GRCh38, 1-based): chr1:75,732,655, C>T. VCF-style: chr1-75732655-C-T. GRCh37 (hg19) VCF-style: chr1-76198340-C-T.
Other names: c.142C>T, p.Gln48Ter (NM_001127328.3); c.22C>T, p.Gln8Ter (NM_001286042.2); c.130C>T, p.Gln44Ter (NM_001286043.2); c.-256C>T (NM_001286044.2); short protein forms Q44*, Q48*, Q8*.
Identifiers: ClinVar variation 2823094 (VCV002823094.4), dbSNP rs2525572000, ClinGen allele CA340809132.